The following is an entry in ClinVar:

ClinVar aggregate classification (germline): Uncertain significance (1 of 4 stars; one submission).

Conditions:
Vici syndrome (VICIS). Identifiers: Orphanet 1493, MedGen C1855772, MONDO:0009452, OMIM 242840.

Allele frequency attached by ClinVar (database versions not stated): gnomAD exomes below 0.00001.
gnomAD v4.1: 1 of 1,613,282 alleles (0.000062%); highest among the groups gnomAD compares: Non-Finnish European, 0.000085%; no homozygotes.

Submission:

Labcorp Genetics (formerly Invitae), Labcorp
Classification: Uncertain significance for Vici syndrome. Last evaluated: 2019-10-15. Review status: criteria provided, single submitter. Criteria: Invitae Variant Classification Sherloc (09022015). Collection method: clinical testing. Allele origin: germline.
Comment: This sequence change replaces leucine with phenylalanine at codon 1897 of the EPG5 protein (p.Leu1897Phe). The leucine residue is highly conserved and there is a small physicochemical difference between leucine and phenylalanine. This variant is not present in population databases (ExAC no frequency). This variant has not been reported in the literature in individuals with EPG5-related conditions. Algorithms developed to predict the effect of missense changes on protein structure and function are either unavailable or do not agree on the potential impact of this missense change (SIFT: "Deleterious"; PolyPhen-2: "Probably Damaging"; Align-GVGD: "Class C0"). In summary, the available evidence is currently insufficient to determine the role of this variant in disease. Therefore, it has been classified as a Variant of Uncertain Significance.

NM_020964.3(EPG5):c.5689C>T (p.Leu1897Phe)

Gene: EPG5 (ectopic P-granules 5 autophagy tethering factor; minus strand). Cytogenetic location: 18q12.3.
Variant type: single nucleotide variant.
Coding change: c.5689C>T on transcript NM_020964.3 (MANE Select); coding-DNA position 5689, C replaced by T.
Protein change: p.Leu1897Phe; replaces leucine 1897 with phenylalanine.
Molecular consequence: missense variant.
Genome position (GRCh38, 1-based): chr18:45,879,193, G>A on the plus strand (C>T on the coding strand, the complement: EPG5 is on the minus strand). VCF-style: chr18-45879193-G-A. GRCh37 (hg19) VCF-style: chr18-43459158-G-A.
Other names: short protein forms L1897F.
Identifiers: ClinVar variation 970216 (VCV000970216.2), dbSNP rs2049037342, ClinGen allele CA402343111.